The following is an entry in ClinVar:

NM_017662.5(TRPM6):c.1490T>C (p.Val497Ala)

Gene: TRPM6 (transient receptor potential cation channel subfamily M member 6; minus strand). Cytogenetic location: 9q21.13.
Variant type: single nucleotide variant.
Coding change: c.1490T>C on transcript NM_017662.5 (MANE Select); coding-DNA position 1490, T replaced by C.
Protein change: p.Val497Ala; replaces valine 497 with alanine.
Molecular consequence: missense variant.
Genome position (GRCh38, 1-based): chr9:74,810,822, A>G on the plus strand (T>C on the coding strand, the complement: TRPM6 is on the minus strand). VCF-style: chr9-74810822-A-G. GRCh37 (hg19) VCF-style: chr9-77425738-A-G.
Other names: c.1475T>C, p.Val492Ala (NM_001177310.2, NM_001177311.2); short protein forms V492A, V497A.
Identifiers: ClinVar variation 4527006 (VCV004527006.1).

ClinVar aggregate classification (germline): Uncertain significance (1 of 4 stars; one submission).

gnomAD v4.1: 8 of 1,613,666 alleles (0.0005%); highest among the groups gnomAD compares: Admixed American, 0.0083%; no homozygotes.

Submission:

GeneDx
Classification: Uncertain significance. Last evaluated: 2025-04-29. Review status: criteria provided, single submitter. Criteria: GeneDx Variant Classification Process June 2021. Collection method: clinical testing. Allele origin: germline. Affected: yes.
Comment: Not observed at significant frequency in large population cohorts (gnomAD); In silico analysis supports that this missense variant has a deleterious effect on protein structure/function; Has not been previously published as pathogenic or benign to our knowledge